The following is an entry in ClinVar:

ClinVar aggregate classification (germline): Uncertain significance. Review status: criteria provided, multiple submitters, no conflicts (2 of 4 stars). 3 submissions from 3 submitters: Uncertain significance (3). Last evaluated 2026-11-03.

Conditions:
Hypercholesterolemia, autosomal dominant, type B (FHCL2). Also called: Familial Hypercholesterolemia Type B; APOLIPOPROTEIN B-100, FAMILIAL DEFECTIVE; APOLIPOPROTEIN B-100, FAMILIAL LIGAND-DEFECTIVE; HYPERCHOLESTEROLEMIA, FAMILIAL, DUE TO LIGAND-DEFECTIVE APOLIPOPROTEIN B; Hyperlipoproteinemia Type IIb; Familial hypercholesterolemia 2. Identifiers: MedGen C1704417, MONDO:0007751, OMIM 144010.
Cardiovascular phenotype. Identifiers: MedGen CN230736.
Familial hypercholesterolemia. Also called: Familial hypercholesterolaemia; Familial hypercholesterolemias. Identifiers: MedGen C0020445, MONDO:0005439.

Allele frequency attached by ClinVar (database versions not stated): gnomAD exomes 0.00001.
gnomAD v4.1: 13 of 1,611,378 alleles (0.00081%); highest among the groups gnomAD compares: South Asian, 0.0011%; no homozygotes.

Submissions (3):

Cambridge Genomics Laboratory, East Genomic Laboratory Hub, NHS Genomic Medicine Service
Classification: Uncertain significance for Familial hypercholesterolaemia. Last evaluated: 2026-11-03. Review status: criteria provided, single submitter. Criteria: ACGS Best Practice Guidelines for Variant Classification in Rare Disease 2020. Collection method: clinical testing. Allele origin: germline. Affected: yes.
Comment: PM2_Supporting,PP4

Ambry Genetics
Classification: Uncertain significance for Cardiovascular phenotype. Last evaluated: 2025-03-13. Review status: criteria provided, single submitter. Criteria: Ambry Variant Classification Scheme 2023. Collection method: clinical testing. Allele origin: germline.
Comment: The p.R818S variant (also known as c.2454G>C), located in coding exon 17 of the APOB gene, results from a G to C substitution at nucleotide position 2454. The arginine at codon 818 is replaced by serine, an amino acid with dissimilar properties. This amino acid position is conserved. In addition, this alteration is predicted to be tolerated by in silico analysis. Since supporting evidence is limited at this time, the clinical significance of this alteration remains unclear.

Genetics and Molecular Pathology, SA Pathology
Classification: Uncertain significance for Hypercholesterolemia, autosomal dominant, type B. Last evaluated: 2022-07-05. Review status: criteria provided, single submitter. Criteria: ACMG Guidelines, 2015. Collection method: clinical testing. Allele origin: germline. Inheritance: Autosomal recessive inheritance. Affected: yes.

NM_000384.3(APOB):c.2454G>C (p.Arg818Ser)

Gene: APOB (apolipoprotein B; minus strand). Cytogenetic location: 2p24.1.
Variant type: single nucleotide variant.
Coding change: c.2454G>C on transcript NM_000384.3 (MANE Select); coding-DNA position 2454, G replaced by C.
Protein change: p.Arg818Ser; replaces arginine 818 with serine.
Molecular consequence: missense variant.
Genome position (GRCh38, 1-based): chr2:21,023,675, C>G on the plus strand (G>C on the coding strand, the complement: APOB is on the minus strand). VCF-style: chr2-21023675-C-G. GRCh37 (hg19) VCF-style: chr2-21246547-C-G.
Other names: c.2454G>C (NM_000384.2); short protein forms R818S.
Identifiers: ClinVar variation 1803227 (VCV001803227.6), dbSNP rs2465410101, ClinGen allele CA346011251.